The following is an entry in ClinVar:

ClinVar aggregate classification (germline): Uncertain significance (1 of 4 stars; one submission).

Conditions:
GNAS-related disorder. Identifiers: MedGen CN380105.

gnomAD v4.1: 7 of 1,612,046 alleles (0.00043%); highest among the groups gnomAD compares: East Asian, 0.0022%; no homozygotes.

Submission:

PreventionGenetics, part of Exact Sciences
Classification: Uncertain significance for GNAS-related condition. Last evaluated: 2025-03-03. Review status: criteria provided, single submitter. Criteria: ACMG Guidelines, 2015. Collection method: clinical testing. Allele origin: germline.
Comment: The GNAS c.1529C>T variant is predicted to result in the amino acid substitution p.Ala510Val. In the more commonly reported transcript (NM_000516.5), this variant is pre-coding (c.-36746C>T). To our knowledge, this variant has not been reported in the literature or in a large population database (gnomAD), indicating this variant is rare. At this time, the clinical significance of this variant is uncertain due to the absence of conclusive functional and genetic evidence.

NM_080425.4(GNAS):c.1716C>T (p.Ser572=)

Gene: GNAS (GNAS complex locus; plus strand). Cytogenetic location: 20q13.32.
Variant type: single nucleotide variant.
Coding change: c.1716C>T on transcript NM_080425.4 (MANE Plus Clinical); coding-DNA position 1716, C replaced by T.
Protein change: p.Ser572=; no amino-acid change (serine 572 retained).
Molecular consequence: synonymous variant. On other transcripts: missense variant (2), intron variant (3).
Genome position (GRCh38, 1-based): chr20:58,854,981, C>T. VCF-style: chr20-58854981-C-T. GRCh37 (hg19) VCF-style: chr20-57430036-C-T.
Other names: c.1529C>T, p.Ala510Val (NM_001077490.3, NM_001309883.1); c.1716C>T, p.Ser572= (NM_001410913.1); c.*42+14095C>T (NM_016592.5); c.43+14095C>T (NM_001410912.1); c.-39+13106C>T (NM_001309861.2); short protein forms A510V.
Identifiers: ClinVar variation 4997454 (VCV004997454.1).